The following is an entry in ClinVar:

NM_002047.4(GARS1):c.1694T>A (p.Leu565Gln)

Gene: GARS1 (glycyl-tRNA synthetase 1; plus strand). Cytogenetic location: 7p14.3.
Variant type: single nucleotide variant.
Coding change: c.1694T>A on transcript NM_002047.4 (MANE Select); coding-DNA position 1694, T replaced by A.
Protein change: p.Leu565Gln; replaces leucine 565 with glutamine.
Molecular consequence: missense variant.
Genome position (GRCh38, 1-based): chr7:30,626,314, T>A. VCF-style: chr7-30626314-T-A. GRCh37 (hg19) VCF-style: chr7-30665930-T-A.
Other names: c.1532T>A, p.Leu511Gln (NM_001316772.1); short protein forms L511Q, L565Q.
Identifiers: ClinVar variation 834709 (VCV000834709.16), dbSNP rs200726600, ClinGen allele CA4206026.
Genomic context (GRCh38, chr7:30,626,314, plus strand): 5'-AAGGGAAAACATTTCAGTTAACAAAAGACATGATCAATGTGAAGAGATTCCAGAAAACAC[T>A]ATATGGTAAATTTGTAAAAATAATAAACAAAAAGTCACTGCTCCTTAAAGCTTTTGTTGT-3'
Protein context (NP_002038.2, residues 555-575): MINVKRFQKT[Leu565Gln]YVEEVVPNVI

ClinVar aggregate classification (germline): Conflicting classifications of pathogenicity. Review status: criteria provided, conflicting classifications (1 of 4 stars). 7 submissions from 5 submitters: Uncertain significance (5); Benign (2). Last evaluated 2025-04-18.

Conditions:
Charcot-Marie-Tooth disease type 2. Also called: Charcot-Marie-Tooth type 2. Identifiers: Orphanet 64746, MedGen C0270914, MONDO:0018993.
Neuronopathy, distal hereditary motor, type 5A (HMND5). Also called: Distal Spinal Muscular Atrophy V; DHMN VA; Distal Spinal Muscular Atrophy V (dSMA-V); NEURONOPATHY, DISTAL HEREDITARY MOTOR, AUTOSOMAL DOMINANT 5. Identifiers: Orphanet 139536, MedGen CN031873, MONDO:0015353, OMIM 600794.
Distal spinal muscular atrophy. Also called: Distal hereditary motor neuronopathy; Distal hereditary motor neuropathy. Identifiers: Orphanet 53739, MedGen C0393541, MONDO:0018894.
Charcot-Marie-Tooth disease type 2D (CMT2D). Also called: Charcot-Marie-Tooth Neuropathy Type 2D; CHARCOT-MARIE-TOOTH DISEASE, AXONAL, TYPE 2D; CHARCOT-MARIE-TOOTH DISEASE, NEURONAL, TYPE 2D; GARS1 Adolescent- or Early Adult-Onset Hereditary Motor/Sensory Neuropathy (GARS1-HMSN). Identifiers: Orphanet 99938, MedGen C1832274, MONDO:0011091, OMIM 601472.

Allele frequency attached by ClinVar (database versions not stated): TOPMed 0.00002; gnomAD exomes 0.00003; gnomAD 0.00004; ExAC 0.00005; ESP Exome Variant Server 0.00017.
gnomAD v4.1: 104 of 1,555,350 alleles (0.0067%); highest among the groups gnomAD compares: Non-Finnish European, 0.0085%; no homozygotes.

Submissions (7):

Labcorp Genetics (formerly Invitae), Labcorp
Classification: Uncertain significance for Charcot-Marie-Tooth disease type 2. Last evaluated: 2025-04-18. Review status: criteria provided, single submitter. Criteria: Invitae Variant Classification Sherloc (09022015). Collection method: clinical testing. Allele origin: germline.
Comment: This sequence change replaces leucine, which is neutral and non-polar, with glutamine, which is neutral and polar, at codon 565 of the GARS protein (p.Leu565Gln). This variant is present in population databases (rs200726600, gnomAD 0.008%). This variant has not been reported in the literature in individuals affected with GARS-related conditions. ClinVar contains an entry for this variant (Variation ID: 834709). Invitae Evidence Modeling of protein sequence and biophysical properties (such as structural, functional, and spatial information, amino acid conservation, physicochemical variation, residue mobility, and thermodynamic stability) indicates that this missense variant is not expected to disrupt GARS protein function with a negative predictive value of 80%. In summary, the available evidence is currently insufficient to determine the role of this variant in disease. Therefore, it has been classified as a Variant of Uncertain Significance.

GeneDx
Classification: Uncertain significance. Last evaluated: 2025-01-14. Review status: criteria provided, single submitter. Criteria: GeneDx Variant Classification Process June 2021. Collection method: clinical testing. Allele origin: germline. Affected: yes.
Comment: Reported in a patient with amyotrophic lateral sclerosis in published literature who also harbored a pathogenic repeat expansion of C9orf72 (PMID: 27790088); In silico analysis supports that this missense variant has a deleterious effect on protein structure/function; This variant is associated with the following publications: (PMID: 26503042, 26138142, 25168514, 27790088)

ARUP Laboratories, Molecular Genetics and Genomics, ARUP Laboratories
Classification: Uncertain significance. Last evaluated: 2023-03-02. Review status: criteria provided, single submitter. Criteria: ARUP Molecular Germline Variant Investigation Process 2024. Collection method: clinical testing. Allele origin: germline.
Comment: The GARS1 c.1694T>A; p.Leu565Gln variant (rs200726600), to our knowledge, is not reported in the medical literature but is reported in ClinVar (Variation ID: 834709). This variant is found in the non-Finnish European population with an allele frequency of 0.006% (7/127,474 alleles) in the Genome Aggregation Database. Computational analyses are uncertain whether this variant is neutral or deleterious (REVEL: 0.42). Due to limited information, the clinical significance of this variant is uncertain at this time.

Ambry Genetics
Classification: Uncertain significance. Last evaluated: 2019-12-18. Review status: criteria provided, single submitter. Criteria: Ambry Variant Classification Scheme 2023. Collection method: clinical testing. Allele origin: germline.
Comment: The p.L565Q variant (also known as c.1694T>A), located in coding exon 13 of the GARS gene, results from a T to A substitution at nucleotide position 1694. The leucine at codon 565 is replaced by glutamine, an amino acid with dissimilar properties. This amino acid position is well conserved in available vertebrate species. In addition, the in silico prediction for this alteration is inconclusive. Since supporting evidence is limited at this time, the clinical significance of this alteration remains unclear.

Illumina Laboratory Services, Illumina
Classification: Benign for Distal hereditary motor neuronopathy type 5. Last evaluated: 2017-07-19. Review status: criteria provided, single submitter. Criteria: ICSL Variant Classification Criteria 13 December 2019. Collection method: clinical testing. Allele origin: germline.
Comment: This variant was observed as part of a predisposition screen in an ostensibly healthy population. A literature search was performed for the gene, cDNA change, and amino acid change (where applicable). Publications were found based on this search. The evidence from the literature, in combination with allele frequency data from public databases where available, was sufficient to rule this variant out of causing disease. Therefore, this variant is classified as benign.

Illumina Laboratory Services, Illumina
Classification: Benign for Distal Spinal Muscular Atrophy. Last evaluated: 2017-07-19. Review status: criteria provided, single submitter. Criteria: ICSL Variant Classification Criteria 13 December 2019. Collection method: clinical testing. Allele origin: germline.
Comment: the same text as in the submission from Illumina Laboratory Services, Illumina above.

Illumina Laboratory Services, Illumina
Classification: Uncertain significance for Charcot-Marie-Tooth disease type 2D. Last evaluated: 2017-07-19. Review status: criteria provided, single submitter. Criteria: ICSL Variant Classification Criteria 13 December 2019. Collection method: clinical testing. Allele origin: germline.
Comment: This variant was observed as part of a predisposition screen in an ostensibly healthy population. A literature search was performed for the gene, cDNA change, and amino acid change (where applicable). Publications were found based on this search. However, the evidence from the literature, in combination with allele frequency data from public databases where available, was not sufficient to rule this variant in or out of causing disease. Therefore, this variant is classified as a variant of unknown significance.

Literature cited by the submitters: PubMed 27790088 (cited by Illumina Laboratory Services, Illumina).